The following is an entry in ClinVar:

ClinVar aggregate classification (germline): Benign/Likely benign. Review status: criteria provided, multiple submitters, no conflicts (2 of 4 stars). 3 submissions from 3 submitters: Benign (1); Likely benign (2). Last evaluated 2026-03-01.

Conditions:
Epileptic encephalopathy. Identifiers: MedGen C0543888, HP:0200134.

Allele frequency attached by ClinVar (database versions not stated): gnomAD 0.00013 and 0.00014; TOPMed 0.00014; ExAC 0.00015; 1000 Genomes Project 30x 0.00016; 1000 Genomes Project 0.00020; ESP Exome Variant Server 0.00023.
gnomAD v4.1: 130 of 1,612,144 alleles (0.0081%); highest among the groups gnomAD compares: Admixed American, 0.047%; no homozygotes.

Submissions (3):

CeGaT Center for Human Genetics Tuebingen
Classification: Likely benign. Last evaluated: 2026-03-01. Review status: criteria provided, single submitter. Criteria: CeGaT Center For Human Genetics Tuebingen Variant Classification Criteria Version 2. Collection method: clinical testing. Allele origin: germline. Affected: yes. Observed: 1 variant allele.
Comment: GABBR2: PP2, BS2

Labcorp Genetics (formerly Invitae), Labcorp
Classification: Benign for Epileptic encephalopathy. Last evaluated: 2026-01-28. Review status: criteria provided, single submitter. Criteria: Invitae Variant Classification Sherloc (09022015). Collection method: clinical testing. Allele origin: germline.

Blueprint Genetics
Classification: Likely benign. Last evaluated: 2024-07-09. Review status: criteria provided, single submitter. Criteria: ACMG Guidelines, 2015. Collection method: clinical testing. Allele origin: germline.

NM_005458.8(GABBR2):c.2575G>A (p.Asp859Asn)

Gene: GABBR2 (gamma-aminobutyric acid type B receptor subunit 2; minus strand). Cytogenetic location: 9q22.33.
Variant type: single nucleotide variant.
Coding change: c.2575G>A on transcript NM_005458.8 (MANE Select); coding-DNA position 2575, G replaced by A.
Protein change: p.Asp859Asn; replaces aspartic acid 859 with asparagine.
Molecular consequence: missense variant.
Genome position (GRCh38, 1-based): chr9:98,293,870, C>T on the plus strand (G>A on the coding strand, the complement: GABBR2 is on the minus strand). VCF-style: chr9-98293870-C-T. GRCh37 (hg19) VCF-style: chr9-101056152-C-T.
Other names: short protein forms D859N.
Identifiers: ClinVar variation 643161 (VCV000643161.16), dbSNP rs79773606, ClinGen allele CA5152422.